The following is an entry in ClinVar:

NM_004990.4(MARS1):c.996C>G (p.Ile332Met)

Gene: MARS1 (methionyl-tRNA synthetase 1; plus strand). Cytogenetic location: 12q13.3.
Variant type: single nucleotide variant.
Coding change: c.996C>G on transcript NM_004990.4 (MANE Select); coding-DNA position 996, C replaced by G.
Protein change: p.Ile332Met; replaces isoleucine 332 with methionine.
Molecular consequence: missense variant.
Genome position (GRCh38, 1-based): chr12:57,498,528, C>G. VCF-style: chr12-57498528-C-G. GRCh37 (hg19) VCF-style: chr12-57892311-C-G.
Other names: short protein forms I332M.
Identifiers: ClinVar variation 1799901 (VCV001799901.6), dbSNP rs771582433, ClinGen allele CA6650379.

ClinVar aggregate classification (germline): Uncertain significance. Review status: criteria provided, multiple submitters, no conflicts (2 of 4 stars). 3 submissions from 3 submitters: Uncertain significance (3). Last evaluated 2024-12-17.

Conditions:
Charcot-Marie-Tooth disease axonal type 2U. Also called: CHARCOT-MARIE-TOOTH NEUROPATHY, TYPE 2U; CHARCOT-MARIE-TOOTH DISEASE, AXONAL, AUTOSOMAL DOMINANT, TYPE 2U. Identifiers: Orphanet 397735, MedGen C4084821, MONDO:0014566, OMIM 616280.
Severe early-onset pulmonary alveolar proteinosis due to MARS deficiency. Also called: PULMONARY ALVEOLAR PROTEINOSIS, REUNION ISLAND; Interstitial lung and liver disease. Identifiers: Orphanet 440427, MedGen C4225400, MONDO:0014206, OMIM 615486.

Allele frequency attached by ClinVar (database versions not stated): ExAC 0.00001; gnomAD 0.00001; gnomAD exomes 0.00001.
gnomAD v4.1: 11 of 1,614,118 alleles (0.00068%); highest among the groups gnomAD compares: Non-Finnish European, 0.00085%; no homozygotes.

Submissions (3):

Labcorp Genetics (formerly Invitae), Labcorp
Classification: Uncertain significance for Charcot-Marie-Tooth disease axonal type 2U; Severe early-onset pulmonary alveolar proteinosis due to MARS deficiency. Last evaluated: 2024-12-17. Review status: criteria provided, single submitter. Criteria: Invitae Variant Classification Sherloc (09022015). Collection method: clinical testing. Allele origin: germline.
Comment: This sequence change replaces isoleucine, which is neutral and non-polar, with methionine, which is neutral and non-polar, at codon 332 of the MARS protein (p.Ile332Met). This variant is present in population databases (rs771582433, gnomAD 0.007%). This variant has not been reported in the literature in individuals affected with MARS-related conditions. ClinVar contains an entry for this variant (Variation ID: 1799901). An algorithm developed to predict the effect of missense changes on protein structure and function (PolyPhen-2) suggests that this variant is likely to be disruptive. In summary, the available evidence is currently insufficient to determine the role of this variant in disease. Therefore, it has been classified as a Variant of Uncertain Significance.

Blueprint Genetics
Classification: Uncertain significance. Last evaluated: 2021-08-23. Review status: criteria provided, single submitter. Criteria: ACMG Guidelines, 2015. Collection method: clinical testing. Allele origin: germline.

Ambry Genetics
Classification: Uncertain significance. Last evaluated: 2021-06-21. Review status: criteria provided, single submitter. Criteria: Ambry Variant Classification Scheme 2023. Collection method: clinical testing. Allele origin: germline.
Comment: The p.I332M variant (also known as c.996C>G), located in coding exon 9 of the MARS gene, results from a C to G substitution at nucleotide position 996. The isoleucine at codon 332 is replaced by methionine, an amino acid with highly similar properties. This amino acid position is highly conserved in available vertebrate species. In addition, the in silico prediction for this alteration is inconclusive. Since supporting evidence is limited at this time, the clinical significance of this alteration remains unclear.